The following is an entry in ClinVar:

NM_001035.3(RYR2):c.12422G>A (p.Ser4141Asn)

Genes: RYR2 (ryanodine receptor 2; plus strand), LOC126806068 (BRD4-independent group 4 enhancer GRCh37_chr1:237947411-237948610; plus strand). Cytogenetic location: 1q43.
Variant type: single nucleotide variant.
Coding change: c.12422G>A on transcript NM_001035.3 (MANE Select); coding-DNA position 12422, G replaced by A.
Protein change: p.Ser4141Asn; replaces serine 4141 with asparagine.
Molecular consequence: missense variant.
Genome position (GRCh38, 1-based): chr1:237,784,134, G>A. VCF-style: chr1-237784134-G-A. GRCh37 (hg19) VCF-style: chr1-237947434-G-A.
Other names: short protein forms S4141N.
Identifiers: ClinVar variation 4800117 (VCV004800117.1).

ClinVar aggregate classification (germline): Uncertain significance (1 of 4 stars; one submission).

Conditions:
Catecholaminergic polymorphic ventricular tachycardia 1. Also called: VENTRICULAR TACHYCARDIA, STRESS-INDUCED POLYMORPHIC 1; RYR2-Related Catecholaminergic Polymorphic Ventricular Tachycardia; VENTRICULAR TACHYCARDIA, CATECHOLAMINERGIC POLYMORPHIC, 1, WITH OR WITHOUT ATRIAL DYSFUNCTION AND/OR DILATED CARDIOMYOPATHY. Identifiers: Orphanet 3286, MedGen C1631597, MONDO:0011484, OMIM 604772.

Submission:

Labcorp Genetics (formerly Invitae), Labcorp
Classification: Uncertain significance for Catecholaminergic polymorphic ventricular tachycardia 1. Last evaluated: 2025-12-01. Review status: criteria provided, single submitter. Criteria: Invitae Variant Classification Sherloc (09022015). Collection method: clinical testing. Allele origin: germline.
Comment: This sequence change replaces serine, which is neutral and polar, with asparagine, which is neutral and polar, at codon 4141 of the RYR2 protein (p.Ser4141Asn). This variant is not present in population databases (gnomAD no frequency). This variant has not been reported in the literature in individuals affected with RYR2-related conditions. Invitae Evidence Modeling of protein sequence and biophysical properties (such as structural, functional, and spatial information, amino acid conservation, physicochemical variation, residue mobility, and thermodynamic stability) has been performed for this missense variant. However, the output from this modeling did not meet the statistical confidence thresholds required to predict the impact of this variant on RYR2 protein function. In summary, the available evidence is currently insufficient to determine the role of this variant in disease. Therefore, it has been classified as a Variant of Uncertain Significance.